The following is an entry in ClinVar:

NM_007118.4(TRIO):c.388A>G (p.Met130Val)

Gene: TRIO (trio Rho guanine nucleotide exchange factor; plus strand). Cytogenetic location: 5p15.2.
Variant type: single nucleotide variant.
Coding change: c.388A>G on transcript NM_007118.4 (MANE Select); coding-DNA position 388, A replaced by G.
Protein change: p.Met130Val; replaces methionine 130 with valine.
Molecular consequence: missense variant. On other transcripts: non-coding transcript variant (1).
Genome position (GRCh38, 1-based): chr5:14,286,911, A>G. VCF-style: chr5-14286911-A-G. GRCh37 (hg19) VCF-style: chr5-14287020-A-G.
Other names: short protein forms M130V.
Identifiers: ClinVar variation 4529991 (VCV004529991.2).

ClinVar aggregate classification (germline): Uncertain significance (1 of 4 stars; one submission).

Submission:

GeneDx
Classification: Uncertain significance. Last evaluated: 2026-02-12. Review status: criteria provided, single submitter. Criteria: GeneDx Variant Classification Process June 2021. Collection method: clinical testing. Allele origin: germline.
Comment: Not observed at significant frequency in large population cohorts (gnomAD); In silico analysis supports that this missense variant has a deleterious effect on protein structure/function; Has not been previously published as pathogenic or benign to our knowledge